The following is an entry in ClinVar:

NM_001851.6(COL9A1):c.2243G>T (p.Gly748Val)

Gene: COL9A1 (collagen type IX alpha 1 chain; minus strand). Cytogenetic location: 6q13.
Variant type: single nucleotide variant.
Coding change: c.2243G>T on transcript NM_001851.6 (MANE Select); coding-DNA position 2243, G replaced by T.
Protein change: p.Gly748Val; replaces glycine 748 with valine.
Molecular consequence: missense variant. On other transcripts: non-coding transcript variant (1), intron variant (1).
Genome position (GRCh38, 1-based): chr6:70,234,810, C>A on the plus strand (G>T on the coding strand, the complement: COL9A1 is on the minus strand). VCF-style: chr6-70234810-C-A. GRCh37 (hg19) VCF-style: chr6-70944513-C-A.
Other names: c.1544G>T, p.Gly515Val (NM_001377289.1); c.1514G>T, p.Gly505Val (NM_078485.4); c.1384-217G>T (NM_001377290.1); short protein forms G505V, G515V, G748V.
Identifiers: ClinVar variation 1321033 (VCV001321033.4), dbSNP rs368781924, ClinGen allele CA3881826.

ClinVar aggregate classification (germline): Uncertain significance. Review status: criteria provided, multiple submitters, no conflicts (2 of 4 stars). 3 submissions from 3 submitters: Uncertain significance (3). Last evaluated 2025-04-21.

Conditions:
COL9A1-related disorder. Also called: COL9A1-related condition; COL9A1-related disorders.

Allele frequency attached by ClinVar (database versions not stated): gnomAD exomes below 0.00001; ExAC 0.00001; gnomAD 0.00001; ESP Exome Variant Server 0.00008.
gnomAD v4.1: 2 of 1,614,014 alleles (0.00012%); highest among the groups gnomAD compares: Non-Finnish European, 0.00017%; no homozygotes.

Submissions (3):

PreventionGenetics, part of Exact Sciences
Classification: Uncertain significance for COL9A1-related condition. Last evaluated: 2025-04-21. Review status: criteria provided, single submitter. Criteria: ACMG Guidelines, 2015. Collection method: clinical testing. Allele origin: germline.
Comment: The COL9A1 c.2243G>T variant is predicted to result in the amino acid substitution p.Gly748Val. To our knowledge, this variant has not been reported in the literature. This variant is reported in 0.00088% of alleles in individuals of European (Non-Finnish) descent in gnomAD. At this time, the clinical significance of this variant is uncertain due to the absence of conclusive functional and genetic evidence.

Blueprint Genetics
Classification: Uncertain significance. Last evaluated: 2024-04-26. Review status: criteria provided, single submitter. Criteria: ACMG Guidelines, 2015. Collection method: clinical testing. Allele origin: germline.

GeneDx
Classification: Uncertain significance. Last evaluated: 2020-01-30. Review status: criteria provided, single submitter. Criteria: GeneDx Variant Classification Process June 2021. Collection method: clinical testing. Allele origin: germline. Affected: yes.
Comment: Not observed at a significant frequency in large population cohorts (Lek et al., 2016); In silico analysis, which includes protein predictors and evolutionary conservation, supports a deleterious effect; Has not been previously published as pathogenic or benign to our knowledge; Substitution affects a Glycine residue of the triple-helical region containing Gly-X-Y repeats